The following is an entry in ClinVar:

ClinVar aggregate classification (germline): Pathogenic (1 of 4 stars; one submission).

Conditions:
Long QT syndrome (LQTS). Identifiers: MedGen C0023976, MeSH D008133, MONDO:0002442. Disease mechanism: loss of function. Inheritance: Various modes of inheritance.

Submission:

Labcorp Genetics (formerly Invitae), Labcorp
Classification: Pathogenic for Long QT syndrome. Last evaluated: 2022-12-17. Review status: criteria provided, single submitter. Criteria: Invitae Variant Classification Sherloc (09022015). Collection method: clinical testing. Allele origin: germline.
Comment: This sequence change creates a premature translational stop signal (p.Tyr845Phefs*72) in the KCNH2 gene. It is expected to result in an absent or disrupted protein product. Loss-of-function variants in KCNH2 are known to be pathogenic (PMID: 10973849, 19862833). This variant is not present in population databases (gnomAD no frequency). This variant has not been reported in the literature in individuals affected with KCNH2-related conditions. For these reasons, this variant has been classified as Pathogenic.

Literature cited by the submitters: PubMed 10973849; PubMed 19862833.

NM_000238.4(KCNH2):c.2534_2541del (p.Tyr845fs)

Gene: KCNH2 (potassium voltage-gated channel subfamily H member 2; minus strand). Cytogenetic location: 7q36.1.
Variant type: Deletion.
Coding change: c.2534_2541del on transcript NM_000238.4 (MANE Select); coding-DNA positions 2534 to 2541, 8 bases deleted (ACCCTGAG; older notation c.2534_2541delACCCTGAG).
Protein change: p.Tyr845fs; shifts the reading frame from tyrosine 845.
Molecular consequence: frameshift variant. On other transcripts: non-coding transcript variant (2).
Genome position (GRCh38, 1-based): chr7:150,948,907-150,948,914, CTCAGGGT deleted on the plus strand (ACCCTGAG on the coding strand, the reverse complement: KCNH2 is on the minus strand). VCF-style (leftmost placement, unchanged base first): chr7-150948906-ACTCAGGGT-A. GRCh37 (hg19) VCF-style: chr7-150645994-ACTCAGGGT-A.
Other names: c.2246_2253del, p.Tyr749fs (NM_001406753.1); c.1514_1521del, p.Tyr505fs (NM_172057.3); short protein forms Y845fs, Y505fs, Y749fs.
Identifiers: ClinVar variation 2821739 (VCV002821739.3), dbSNP rs2486015091, ClinGen allele CA2739278692.